The following is an entry in ClinVar:

NM_014264.5(PLK4):c.1520A>G (p.His507Arg)

Gene: PLK4 (polo like kinase 4; plus strand). Cytogenetic location: 4q28.1.
Variant type: single nucleotide variant.
Coding change: c.1520A>G on transcript NM_014264.5 (MANE Select); coding-DNA position 1520, A replaced by G.
Protein change: p.His507Arg; replaces histidine 507 with arginine.
Molecular consequence: missense variant.
Genome position (GRCh38, 1-based): chr4:127,889,926, A>G. VCF-style: chr4-127889926-A-G. GRCh37 (hg19) VCF-style: chr4-128811081-A-G.
Other names: c.1520A>G (NM_014264.4); c.1424A>G, p.His475Arg (NM_001190799.2); c.1397A>G, p.His466Arg (NM_001190801.2); short protein forms H466R, H507R, H475R.
Identifiers: ClinVar variation 1043120 (VCV001043120.6), dbSNP rs1735284744, ClinGen allele CA358155525.

ClinVar aggregate classification (germline): Uncertain significance. Review status: criteria provided, multiple submitters, no conflicts (2 of 4 stars). 2 submissions from 2 submitters: Uncertain significance (2). Last evaluated 2024-10-01.

Conditions:
Inborn genetic diseases. Identifiers: MedGen C0950123, MeSH D030342.

Submissions (2):

Ambry Genetics
Classification: Uncertain significance for Inborn genetic diseases. Last evaluated: 2024-10-01. Review status: criteria provided, single submitter. Criteria: Ambry Variant Classification Scheme 2023. Collection method: clinical testing. Allele origin: germline.

Labcorp Genetics (formerly Invitae), Labcorp
Classification: Uncertain significance. Last evaluated: 2020-09-09. Review status: criteria provided, single submitter. Criteria: Invitae Variant Classification Sherloc (09022015). Collection method: clinical testing. Allele origin: germline.
Comment: In summary, the available evidence is currently insufficient to determine the role of this variant in disease. Therefore, it has been classified as a Variant of Uncertain Significance. Algorithms developed to predict the effect of missense changes on protein structure and function output the following: SIFT: "Tolerated"; PolyPhen-2: "Benign"; Align-GVGD: "Class C0". The arginine amino acid residue is found in multiple mammalian species, suggesting that this missense change does not adversely affect protein function. These predictions have not been confirmed by published functional studies and their clinical significance is uncertain. This variant has not been reported in the literature in individuals with PLK4-related conditions. This variant is not present in population databases (ExAC no frequency). This sequence change replaces histidine with arginine at codon 507 of the PLK4 protein (p.His507Arg). The histidine residue is weakly conserved and there is a small physicochemical difference between histidine and arginine.